The following is an entry in ClinVar:

NM_001909.5(CTSD):c.846G>A (p.Gly282=)

Gene: CTSD (cathepsin D; minus strand). Cytogenetic location: 11p15.5.
Variant type: single nucleotide variant.
Coding change: c.846G>A on transcript NM_001909.5 (MANE Select); coding-DNA position 846, G replaced by A.
Protein change: p.Gly282=; no amino-acid change (glycine 282 retained).
Molecular consequence: synonymous variant.
Genome position (GRCh38, 1-based): chr11:1,754,120, C>T on the plus strand (G>A on the coding strand, the complement: CTSD is on the minus strand). VCF-style: chr11-1754120-C-T. GRCh37 (hg19) VCF-style: chr11-1775350-C-T.
Other names: p.G282G:GGG>GGA; p.Gly282=.
Identifiers: ClinVar variation 137039 (VCV000137039.22), dbSNP rs112021026, ClinGen allele CA303055.

ClinVar aggregate classification (germline): Benign/Likely benign. Review status: criteria provided, multiple submitters, no conflicts (2 of 4 stars). 6 submissions from 6 submitters: Benign (5); Likely benign (1). Last evaluated 2026-02-02.

Conditions:
Inborn genetic diseases. Identifiers: MedGen C0950123, MeSH D030342.
Neuronal ceroid lipofuscinosis. Also called: Neuronal Ceroid Lipofuscinoses. Identifiers: Orphanet 216, Orphanet 79263, MedGen C0027877, MONDO:0016295. Disease mechanism: loss of function.

Allele frequency attached by ClinVar (database versions not stated): gnomAD exomes 0.00047 and 0.00131; ExAC 0.00165; 1000 Genomes Project 0.00499; 1000 Genomes Project 30x 0.00531; gnomAD 0.00531 and 0.00567; ESP Exome Variant Server 0.00562; TOPMed 0.00587.
gnomAD v4.1: 1,523 of 1,610,002 alleles (0.095%); highest among the groups gnomAD compares: African/African-American, 1.8%; 13 homozygotes.

Submissions (6):

Labcorp Genetics (formerly Invitae), Labcorp
Classification: Benign for Neuronal ceroid lipofuscinosis. Last evaluated: 2026-02-02. Review status: criteria provided, single submitter. Criteria: Invitae Variant Classification Sherloc (09022015). Collection method: clinical testing. Allele origin: germline.

Mayo Clinic Laboratories, Mayo Clinic
Classification: Benign. Last evaluated: 2025-09-23. Review status: criteria provided, single submitter. Criteria: ACMG Guidelines, 2015. Collection method: clinical testing. Allele origin: germline. Observed: 4 variant alleles.
Comment: BA1

Blueprint Genetics
Classification: Likely benign. Last evaluated: 2024-11-05. Review status: criteria provided, single submitter. Criteria: ACMG Guidelines, 2015. Collection method: clinical testing. Allele origin: germline.

Ambry Genetics
Classification: Benign for Inborn genetic diseases. Last evaluated: 2016-08-03. Review status: criteria provided, single submitter. Criteria: Ambry Variant Classification Scheme 2023. Collection method: clinical testing. Allele origin: germline.

Eurofins Ntd Llc (ga)
Classification: Benign. Last evaluated: 2015-05-01. Review status: criteria provided, single submitter. Criteria: EGL Classification Definitions 2015. Collection method: clinical testing. Allele origin: germline. Observed: 1 variant allele, 1 heterozygote.

GeneDx
Classification: Benign. Last evaluated: 2014-05-16. Review status: criteria provided, single submitter. Criteria: GeneDx Variant Classification (06012015). Collection method: clinical testing. Allele origin: germline. Affected: yes.
Comment: This variant is considered likely benign or benign based on one or more of the following criteria: it is a conservative change, it occurs at a poorly conserved position in the protein, it is predicted to be benign by multiple in silico algorithms, and/or has population frequency not consistent with disease.